The following continues an entry in ClinVar:

NM_007294.4(BRCA1):c.135-1G>T

Gene: BRCA1. ClinVar aggregate classification (germline): Pathogenic. Pathogenic (1).

Submissions 6 to 18 of 22:

All of Us Research Program, National Institutes of Health
Classification: Pathogenic for BRCA1-related cancer predisposition. Last evaluated: 2024-06-09. Review status: criteria provided, single submitter. Criteria: ACMG Guidelines, 2015. Collection method: clinical testing. Allele origin: germline. Inheritance: Autosomal dominant inheritance. Observed: 1 variant allele, 1 heterozygote. Not counted in ClinVar's aggregate classification.
Comment: This variant causes a G to T nucleotide substitution at the -1 position of intron 3 of the BRCA1 gene. RNA studies have shown that this variant impacts the splicing of exon 4 that partially encodes the RING domain, which is important for BRCA1 function and is noted to have clinically relevant mutations (PMID: 16211554, 22737296, 30101128). A functional study has shown that this variant impacts BRCA1 function in a haploid human cell proliferation assay (PMID: 30209399). This variant has been reported in at least 7 individuals affected with breast and ovarian cancer (PMID: 11179017, 16211554, 21324516, 25452441, 33471991; Leiden Open Variation Database DB-ID BRCA1_000503) and an individual affected with prostate cancer with a family history of breast cancer (PMID: 18445692). This variant also has been reported with a co-segregation likelihood ratio for pathogenicity of 9528 in one pedigree (PMID: 31131967). This variant has been identified in 2/280296 chromosomes in the general population by the Genome Aggregation Database (gnomAD). Loss of BRCA1 function is a known mechanism of disease. Based on the available evidence, this variant is classified as Pathogenic.

This study involves interpretation of variants in research participants for the purpose of population health screening. Participant phenotype was not available at the time of variant classification. Additional details can be found in publication PMID: 35346344, PMCID: PMC8962531

Color Diagnostics, LLC DBA Color Health
Classification: Pathogenic for Hereditary cancer-predisposing syndrome. Last evaluated: 2024-04-18. Review status: criteria provided, single submitter. Criteria: ACMG Guidelines, 2015. Collection method: clinical testing. Allele origin: germline. Not counted in ClinVar's aggregate classification.
Comment: This variant causes a G to T nucleotide substitution at the -1 position of intron 3 of the BRCA1 gene. RNA studies have shown that this variant impacts the splicing of exon 4 that partially encodes the RING domain, which is important for BRCA1 function and is noted to have clinically relevant mutations (PMID: 16211554, 22737296, 30101128). A functional study has shown that this variant impacts BRCA1 function in a haploid human cell proliferation assay (PMID: 30209399). This variant has been reported in at least 7 individuals affected with breast and ovarian cancer (PMID: 11179017, 16211554, 21324516, 25452441, 33471991; Leiden Open Variation Database DB-ID BRCA1_000503) and an individual affected with prostate cancer with a family history of breast cancer (PMID: 18445692). This variant also has been reported with a co-segregation likelihood ratio for pathogenicity of 9528 in one pedigree (PMID: 31131967). This variant has been identified in 2/280296 chromosomes in the general population by the Genome Aggregation Database (gnomAD). Loss of BRCA1 function is a known mechanism of disease. Based on the available evidence, this variant is classified as Pathogenic.

Baylor Genetics
Classification: Pathogenic for Breast-ovarian cancer, familial, susceptibility to, 1. Last evaluated: 2024-03-24. Review status: criteria provided, single submitter. Criteria: ACMG Guidelines, 2015. Collection method: clinical testing. Allele origin: unknown. Not counted in ClinVar's aggregate classification.

GeneDx
Classification: Pathogenic. Last evaluated: 2024-02-27. Review status: criteria provided, single submitter. Criteria: GeneDx Variant Classification Process June 2021. Collection method: clinical testing. Allele origin: germline. Affected: yes. Not counted in ClinVar's aggregate classification.
Comment: Canonical splice site variant demonstrated to result in an in-frame loss of the adjacent exon, which is located in the critical RING finger domain, in a gene for which loss of function is a known mechanism of disease (PMID: 16211554, 8944023, 20104584, 23239986, 24389207); Truncating variants in this gene are considered pathogenic by a well-established clinical consortium and/or database; Not observed at significant frequency in large population cohorts (gnomAD); Also known as 254-1G>T, IVS4-1G>T; This variant is associated with the following publications: (PMID: 9333265, 21285146, 21324516, 27553291, 16683254, 28888541, 20020529, 11179017, 25525159, 18445692, 24212087, 16998791, 26187060, 21965345, 21769658, 16528604, 23239986, 30209399, 29446198, 29625052, 26689913, 30787465, 35464868, 29922827, 20104584, 24389207, 8944023, 30720243, 31131967, 32885271, 18824701, 30101128, 36451132, 34887416, 25452441, 16211554)

Revvity Omics, Revvity
Classification: Pathogenic. Last evaluated: 2023-01-30. Review status: criteria provided, single submitter. Criteria: ACMG Guidelines, 2015. Collection method: clinical testing. Allele origin: germline. Not counted in ClinVar's aggregate classification.

Ambry Genetics
Classification: Pathogenic for Hereditary cancer-predisposing syndrome. Last evaluated: 2022-12-27. Review status: criteria provided, single submitter. Criteria: Ambry Variant Classification Scheme 2023. Collection method: clinical testing. Allele origin: germline. Not counted in ClinVar's aggregate classification.
Comment: The c.135-1G>T intronic pathogenic mutation results from a G to T substitution one nucleotide upstream from coding exon 3 of the BRCA1 gene. This mutation has been identified in multiple breast, ovarian and/or prostate cancer families (Zhang S et al. Gynecol. Oncol. 2011 May;121(2):353-7; Rashid MU et al. Int. J. Cancer 2006 Dec;119(12):2832-9; Tesoriero AA et al. Hum. Mutat. 2005 Nov;26(5):495. Risch HA et al. Am. J. Hum. Genet. 2001 Mar;68(3):700-10. Shattuck-Eidens D et al. JAMA 1997 Oct;278(15):1242-50; Willems AJ et al. Clin. Cancer Res. 2008; 14:2953-61). This variant gives rise to an in -frame deletion of coding exon 3 (also known as exon 5 in the literature-Tesoriero AA et al. Hum Mutat. 2005 Nov;26(5):495; Farber-Katz S et al. Front Oncol, 2018 Jul;8:286). One functional study found that this nucleotide substitution is non-functional in a high throughput genome editing haploid cell survival assay (Findlay GM et al. Nature, 2018 10;562:217-222). Of note, this alteration is also designated as IVS3-1G>T and IVS4-1G>T in the published literature. In addition to the clinical data presented in the literature, alterations that disrupt the canonical splice site are expected to cause aberrant splicing, resulting in an abnormal protein or a transcript that is subject to nonsense-mediated mRNA decay. As such, this alteration is classified as a disease-causing mutation.

Fulgent Genetics
Classification: Pathogenic for Familial cancer of breast; Breast-ovarian cancer, familial, susceptibility to, 1; Pancreatic cancer, susceptibility to, 4; Fanconi anemia, complementation group S. Last evaluated: 2022-05-13. Review status: criteria provided, single submitter. Criteria: ACMG Guidelines, 2015. Collection method: clinical testing. Allele origin: unknown. Not counted in ClinVar's aggregate classification.

National Health Laboratory Service, Universitas Academic Hospital and University of the Free State
Classification: Pathogenic for Hereditary breast ovarian cancer syndrome. Last evaluated: 2021-11-16. Review status: criteria provided, single submitter. Criteria: ACMG Guidelines, 2015. Collection method: clinical testing. Allele origin: germline. Affected: yes. Observed: 1 variant allele. Not counted in ClinVar's aggregate classification.

Laboratory for Molecular Medicine, Mass General Brigham Personalized Medicine
Classification: Pathogenic for Hereditary breast ovarian cancer syndrome. Last evaluated: 2019-01-17. Review status: criteria provided, single submitter. Criteria: ACMG Guidelines, 2015. Collection method: clinical testing. Allele origin: germline. Inheritance: Autosomal dominant inheritance. Not counted in ClinVar's aggregate classification.
Comment: The c.135-1G>T variant in BRCA1 has been reported in more than 30 individuals with BRCA1-associated cancers and segregated with breast cancer in 10 relatives from 1 family (Shattuck-Eidens 1997, Risch 2001, Tesoriero 2005, Willems 2008, Rashid 2016, Breast Cancer Information Core (BIC)). This variant has been identified in 2/128060 European chromosomes by the Genome Aggregation Database (gnomAD; dbSNP rs80358158). This variant occurs in the invariant region (+/- 1,2) of the splice consensus sequence and functional studies have shown it results in an in-frame deletion of 26 amino acids(Tesoriero 2005, Wappenschmidt 2012). In summary, this variant meets criteria to be classified as pathogenic for HBOC in an autosomal dominant manner. ACMG/AMP criteria applied: PS4, PP1_Strong, PM2, PM4.

Women's Health and Genetics/Laboratory Corporation of America, LabCorp
Classification: Pathogenic for Hereditary breast ovarian cancer syndrome. Last evaluated: 2016-05-20. Review status: criteria provided, single submitter. Criteria: LabCorp Variant Classification Summary - May 2015. Collection method: clinical testing. Allele origin: germline. Not counted in ClinVar's aggregate classification.
Comment: Variant summary: The BRCA1 c.135-1G>T variant involves the alteration of a conserved intronic nucleotide located at a canonical splice site. Mutation taster predicts a damaging outcome for this variant along with 5/5 in silico splice site prediction algorithms predicting the loss of the splice acceptor site. These predictions were confirmed by Tesoriero_HM_2005 which demonstrated the variant to result in exon skipping that creates an in-frame deletion of 26 amino acids from exon 5. The variant was found in 1/111484 control chromosomes at a frequency of 0.000009, which does not exceed the estimated maximal expected allele frequency of a pathogenic BRCA1 variant (0.0010005). It was reported in several HBOC patients and in at least one HBOC family it co-segregated with the disease (Tesoriero_HM_2005). In addition, multiple clinical diagnostic laboratories/reputable databases classified this variant as Pathogenic. Taken together, this variant is classified as a Pathogenic.

Consortium of Investigators of Modifiers of BRCA1/2 (CIMBA), c/o University of Cambridge
Classification: Pathogenic for Breast-ovarian cancer, familial, susceptibility to, 1. Last evaluated: 2015-10-02. Review status: criteria provided, single submitter. Criteria: CIMBA Mutation Classification guidelines May 2016. Collection method: clinical testing. Allele origin: germline. Not counted in ClinVar's aggregate classification.

Counsyl
Classification: Pathogenic for Breast-ovarian cancer, familial, susceptibility to, 1. Last evaluated: 2015-11-12. Review status: no assertion criteria provided. Collection method: clinical testing. Allele origin: unknown. Not counted in ClinVar's aggregate classification.

Research Molecular Genetics Laboratory, Women's College Hospital, University of Toronto
Classification: Pathogenic for Hereditary breast ovarian cancer syndrome. Last evaluated: 2014-01-31. Review status: no assertion criteria provided. Collection method: research. Allele origin: germline. Affected: yes. Study: The Canadian Open Genetics Repository (COGR). Not counted in ClinVar's aggregate classification.